The following is an entry in ClinVar:

NM_001903.5(CTNNA1):c.164C>G (p.Ser55Cys)

Gene: CTNNA1 (catenin alpha 1; plus strand). Cytogenetic location: 5q31.2.
Variant type: single nucleotide variant.
Coding change: c.164C>G on transcript NM_001903.5 (MANE Select); coding-DNA position 164, C replaced by G.
Protein change: p.Ser55Cys; replaces serine 55 with cysteine.
Molecular consequence: missense variant. On other transcripts: 5 prime UTR variant (1), intron variant (1).
Genome position (GRCh38, 1-based): chr5:138,783,235, C>G. VCF-style: chr5-138783235-C-G. GRCh37 (hg19) VCF-style: chr5-138118924-C-G.
Other names: c.164C>G (NM_001903.2); c.164C>G, p.Ser55Cys (NM_001290307.3, NM_001323982.2, NM_001323983.1 and 3 more transcripts); c.-43C>G (NM_001290310.3); c.-9+1206C>G (NM_001290309.3); short protein forms S55C.
Identifiers: ClinVar variation 848315 (VCV000848315.11), dbSNP rs756329640, ClinGen allele CA3431369.

ClinVar aggregate classification (germline): Uncertain significance. Review status: criteria provided, multiple submitters, no conflicts (2 of 4 stars). 2 submissions from 2 submitters: Uncertain significance (2). Last evaluated 2025-07-20.

Conditions:
Hereditary cancer-predisposing syndrome. Also called: Tumor predisposition; Neoplastic Syndromes, Hereditary; Hereditary neoplastic syndrome; Hereditary Cancer Syndrome. Identifiers: Orphanet 140162, MedGen C0027672, MeSH D009386, MONDO:0015356.

Allele frequency attached by ClinVar (database versions not stated): TOPMed below 0.00001; gnomAD 0.00001; ExAC 0.00002.
gnomAD v4.1: 3 of 1,613,934 alleles (0.00019%); highest among the groups gnomAD compares: African/African-American, 0.0013%; no homozygotes.

Submissions (2):

Ambry Genetics
Classification: Uncertain significance for Hereditary cancer-predisposing syndrome. Last evaluated: 2025-07-20. Review status: criteria provided, single submitter. Criteria: Ambry Variant Classification Scheme 2023. Collection method: clinical testing. Allele origin: germline.
Comment: The p.S55C variant (also known as c.164C>G), located in coding exon 2 of the CTNNA1 gene, results from a C to G substitution at nucleotide position 164. The serine at codon 55 is replaced by cysteine, an amino acid with dissimilar properties. This amino acid position is conserved. In addition, the in silico prediction for this alteration is inconclusive. Based on the available evidence, the clinical significance of this variant remains unclear.

Labcorp Genetics (formerly Invitae), Labcorp
Classification: Uncertain significance. Last evaluated: 2019-12-16. Review status: criteria provided, single submitter. Criteria: Invitae Variant Classification Sherloc (09022015). Collection method: clinical testing. Allele origin: germline.
Comment: In summary, the available evidence is currently insufficient to determine the role of this variant in disease. Therefore, it has been classified as a Variant of Uncertain Significance. Algorithms developed to predict the effect of sequence changes on RNA splicing suggest that this variant may create or strengthen a splice site, but this prediction has not been confirmed by published transcriptional studies. Algorithms developed to predict the effect of missense changes on protein structure and function are either unavailable or do not agree on the potential impact of this missense change (SIFT: "Deleterious"; PolyPhen-2: "Probably Damaging"; Align-GVGD: "Class C0"). This variant has not been reported in the literature in individuals with CTNNA1-related conditions. This variant is present in population databases (rs756329640, ExAC 0.01%). This sequence change replaces serine with cysteine at codon 55 of the CTNNA1 protein (p.Ser55Cys). The serine residue is highly conserved and there is a moderate physicochemical difference between serine and cysteine.